The following is an entry in ClinVar:

ClinVar aggregate classification (germline): Uncertain significance (1 of 4 stars; one submission).

Conditions:
Breast-ovarian cancer, familial, susceptibility to, 4. Identifiers: Orphanet 145, MedGen C3280345, MONDO:0013669, OMIM 614291.

Submission:

Labcorp Genetics (formerly Invitae), Labcorp
Classification: Uncertain significance for Breast-ovarian cancer, familial, susceptibility to, 4. Last evaluated: 2023-12-31. Review status: criteria provided, single submitter. Criteria: Invitae Variant Classification Sherloc (09022015). Collection method: clinical testing. Allele origin: germline.
Comment: This sequence change replaces leucine, which is neutral and non-polar, with valine, which is neutral and non-polar, at codon 241 of the RAD51D protein (p.Leu241Val). This variant is not present in population databases (gnomAD no frequency). This variant has not been reported in the literature in individuals affected with RAD51D-related conditions. ClinVar contains an entry for this variant (Variation ID: 1520593). Advanced modeling of protein sequence and biophysical properties (such as structural, functional, and spatial information, amino acid conservation, physicochemical variation, residue mobility, and thermodynamic stability) has been performed at Invitae for this missense variant, however the output from this modeling did not meet the statistical confidence thresholds required to predict the impact of this variant on RAD51D protein function. In summary, the available evidence is currently insufficient to determine the role of this variant in disease. Therefore, it has been classified as a Variant of Uncertain Significance.

NM_002878.4(RAD51D):c.721C>G (p.Leu241Val)

Genes: RAD51D (RAD51 paralog D; minus strand), RAD51L3-RFFL (RAD51L3-RFFL readthrough; minus strand). Cytogenetic location: 17q12.
Variant type: single nucleotide variant.
Coding change: c.721C>G on transcript NM_002878.4 (MANE Select); coding-DNA position 721, C replaced by G.
Protein change: p.Leu241Val; replaces leucine 241 with valine.
Molecular consequence: missense variant. On other transcripts: non-coding transcript variant (3).
Genome position (GRCh38, 1-based): chr17:35,103,271, G>C on the plus strand (C>G on the coding strand, the complement: RAD51D is on the minus strand). VCF-style: chr17-35103271-G-C. GRCh37 (hg19) VCF-style: chr17-33430290-G-C.
Other names: c.781C>G, p.Leu261Val (NM_001142571.2); c.385C>G, p.Leu129Val (NM_133629.3); short protein forms L129V, L261V, L241V.
Identifiers: ClinVar variation 1520593 (VCV001520593.8), dbSNP rs2142418230, ClinGen allele CA399087514.